The following is an entry in ClinVar:

NM_004984.4(KIF5A):c.1435G>A (p.Ala479Thr)

Gene: KIF5A (kinesin family member 5A; plus strand). Cytogenetic location: 12q13.3.
Variant type: single nucleotide variant.
Coding change: c.1435G>A on transcript NM_004984.4 (MANE Select); coding-DNA position 1435, G replaced by A.
Protein change: p.Ala479Thr; replaces alanine 479 with threonine.
Molecular consequence: missense variant.
Genome position (GRCh38, 1-based): chr12:57,572,133, G>A. VCF-style: chr12-57572133-G-A. GRCh37 (hg19) VCF-style: chr12-57965916-G-A.
Other names: c.1168G>A, p.Ala390Thr (NM_001354705.2); short protein forms A479T, A390T.
Identifiers: ClinVar variation 1374081 (VCV001374081.6), dbSNP rs2140165233, ClinGen allele CA385506377.

ClinVar aggregate classification (germline): Uncertain significance (1 of 4 stars; one submission).

Conditions:
Spastic paraplegia. Identifiers: MedGen C0037772, HP:0001258.

Submission:

Labcorp Genetics (formerly Invitae), Labcorp
Classification: Uncertain significance for Spastic paraplegia. Last evaluated: 2021-09-24. Review status: criteria provided, single submitter. Criteria: Invitae Variant Classification Sherloc (09022015). Collection method: clinical testing. Allele origin: germline.
Comment: In summary, the available evidence is currently insufficient to determine the role of this variant in disease. Therefore, it has been classified as a Variant of Uncertain Significance. Advanced modeling of protein sequence and biophysical properties (such as structural, functional, and spatial information, amino acid conservation, physicochemical variation, residue mobility, and thermodynamic stability) performed at Invitae indicates that this missense variant is not expected to disrupt KIF5A protein function. This variant has not been reported in the literature in individuals affected with KIF5A-related conditions. This variant is not present in population databases (ExAC no frequency). This sequence change replaces alanine with threonine at codon 479 of the KIF5A protein (p.Ala479Thr). The alanine residue is moderately conserved and there is a small physicochemical difference between alanine and threonine.